The following is an entry in ClinVar:

ClinVar aggregate classification (germline): Uncertain significance (1 of 4 stars; one submission).

Conditions:
Early-infantile DEE. Also called: Early infantile epileptic encephalopathy with suppression bursts; Ohtahara syndrome; Early infantile epileptic encephalopathy. Identifiers: Orphanet 1934, MedGen C0393706, MONDO:0800491.

Allele frequency attached by ClinVar (database versions not stated): gnomAD exomes below 0.00001; ExAC 0.00001; ESP Exome Variant Server 0.00008.

Submission:

Labcorp Genetics (formerly Invitae), Labcorp
Classification: Uncertain significance for Early-infantile DEE. Last evaluated: 2024-04-24. Review status: criteria provided, single submitter. Criteria: Invitae Variant Classification Sherloc (09022015). Collection method: clinical testing. Allele origin: germline.
Comment: This sequence change replaces glutamic acid, which is acidic and polar, with lysine, which is basic and polar, at codon 1781 of the SPTAN1 protein (p.Glu1781Lys). This variant is present in population databases (rs368949860, gnomAD 0.0009%). This variant has not been reported in the literature in individuals affected with SPTAN1-related conditions. ClinVar contains an entry for this variant (Variation ID: 1004373). Advanced modeling of protein sequence and biophysical properties (such as structural, functional, and spatial information, amino acid conservation, physicochemical variation, residue mobility, and thermodynamic stability) has been performed at Invitae for this missense variant, however the output from this modeling did not meet the statistical confidence thresholds required to predict the impact of this variant on SPTAN1 protein function. In summary, the available evidence is currently insufficient to determine the role of this variant in disease. Therefore, it has been classified as a Variant of Uncertain Significance.

NM_001130438.3(SPTAN1):c.5341G>A (p.Glu1781Lys)

Gene: SPTAN1 (spectrin alpha, non-erythrocytic 1; plus strand). Cytogenetic location: 9q34.11.
Variant type: single nucleotide variant.
Coding change: c.5341G>A on transcript NM_001130438.3 (MANE Select); coding-DNA position 5341, G replaced by A.
Protein change: p.Glu1781Lys; replaces glutamic acid 1781 with lysine.
Molecular consequence: missense variant.
Genome position (GRCh38, 1-based): chr9:128,615,824, G>A. VCF-style: chr9-128615824-G-A. GRCh37 (hg19) VCF-style: chr9-131378103-G-A.
Other names: c.5266G>A, p.Glu1756Lys (NM_001195532.2); c.5341G>A, p.Glu1781Lys (NM_001363759.2, NM_001375310.1, NM_001375311.2 and 1 more transcripts); c.5281G>A, p.Glu1761Lys (NM_001363765.2, NM_001375314.2); c.5377G>A, p.Glu1793Lys (NM_001375312.2, NM_001375318.1); c.5326G>A, p.Glu1776Lys (NM_003127.4); short protein forms E1756K, E1761K, E1776K, E1781K, E1793K.
Identifiers: ClinVar variation 1004373 (VCV001004373.9), dbSNP rs368949860, ClinGen allele CA5265427.